The following is an entry in ClinVar:

ClinVar aggregate classification (germline): Pathogenic/Likely pathogenic. Review status: criteria provided, multiple submitters, no conflicts (2 of 4 stars). 2 submissions from 2 submitters: Pathogenic (1); Likely pathogenic (1). Last evaluated 2024-01-16.

Conditions:
Kartagener syndrome (CILD1). Also called: CILIARY DYSKINESIA, PRIMARY, 1, WITH OR WITHOUT SITUS INVERSUS; IMMOTILE CILIA SYNDROME; CILIARY DYSKINESIA, PRIMARY, 1; SIEWERT SYNDROME; Dextrocardia bronchiectasis and sinusitis; POLYNESIAN BRONCHIECTASIS. Identifiers: Orphanet 244, MedGen C4551906, MONDO:0009484, OMIM 244400.
Primary ciliary dyskinesia. Also called: Ciliary dyskinesia. Identifiers: Orphanet 244, MedGen C0008780, MONDO:0016575, HP:0012265.

Submissions (2):

Fulgent Genetics
Classification: Likely pathogenic for Kartagener syndrome. Last evaluated: 2024-01-16. Review status: criteria provided, single submitter. Criteria: ACMG Guidelines, 2015. Collection method: clinical testing. Allele origin: germline.

Labcorp Genetics (formerly Invitae), Labcorp
Classification: Pathogenic for Primary ciliary dyskinesia. Last evaluated: 2023-08-21. Review status: criteria provided, single submitter. Criteria: Invitae Variant Classification Sherloc (09022015). Collection method: clinical testing. Allele origin: germline.
Comment: For these reasons, this variant has been classified as Pathogenic. ClinVar contains an entry for this variant (Variation ID: 1071575). This variant has not been reported in the literature in individuals affected with DNAI1-related conditions. This variant is not present in population databases (gnomAD no frequency). This sequence change creates a premature translational stop signal (p.Ala60Glyfs*33) in the DNAI1 gene. It is expected to result in an absent or disrupted protein product. Loss-of-function variants in DNAI1 are known to be pathogenic (PMID: 16858015, 29363216).

Literature cited by the submitters: PubMed 16858015 (cited by Labcorp Genetics (formerly Invitae), Labcorp); PubMed 29363216 (cited by Labcorp Genetics (formerly Invitae), Labcorp).

NM_012144.4(DNAI1):c.178dup (p.Ala60fs)

Gene: DNAI1 (dynein axonemal intermediate chain 1; plus strand). Cytogenetic location: 9p13.3.
Variant type: Duplication.
Coding change: c.178dup on transcript NM_012144.4 (MANE Select); coding-DNA position 178, one base duplicated (G; older notation c.178dupG).
Protein change: p.Ala60fs; shifts the reading frame from alanine 60.
Molecular consequence: frameshift variant.
Genome position (GRCh38, 1-based): chr9:34,485,238, G duplicated. VCF-style (leftmost placement, unchanged base first): chr9-34485237-T-TG. GRCh37 (hg19) VCF-style: chr9-34485235-T-TG.
Other names: c.178dup, p.Ala60fs (NM_001281428.2); short protein forms A60fs.
Identifiers: ClinVar variation 1071575 (VCV001071575.8), dbSNP rs2132057423, ClinGen allele CA2499219843.